The following is an entry in ClinVar:

NM_001267550.2(TTN):c.15121A>G (p.Ile5041Val)

Gene: TTN (titin; minus strand). Cytogenetic location: 2q31.2.
Variant type: single nucleotide variant.
Coding change: c.15121A>G on transcript NM_001267550.2 (MANE Select); coding-DNA position 15121, A replaced by G.
Protein change: p.Ile5041Val; replaces isoleucine 5041 with valine.
Molecular consequence: missense variant. On other transcripts: intron variant (3).
Genome position (GRCh38, 1-based): chr2:178,734,803, T>C on the plus strand (A>G on the coding strand, the complement: TTN is on the minus strand). VCF-style: chr2-178734803-T-C. GRCh37 (hg19) VCF-style: chr2-179599530-T-C.
Other names: c.14170A>G, p.Ile4724Val (NM_001256850.1); c.11389A>G, p.Ile3797Val (NM_133378.4); c.13282+3279A>G (NM_003319.4); c.13858+3279A>G (NM_133437.4); c.13657+3279A>G (NM_133432.3); short protein forms I4724V, I3797V, I5041V.
Identifiers: ClinVar variation 2921144 (VCV002921144.1), dbSNP rs760814989, ClinGen allele CA2002291.

ClinVar aggregate classification (germline): Uncertain significance (1 of 4 stars; one submission).

Allele frequency attached by ClinVar (database versions not stated): gnomAD exomes below 0.00001; TOPMed below 0.00001; gnomAD 0.00001; ExAC 0.00002.

Submission:

ARUP Laboratories, Molecular Genetics and Genomics, ARUP Laboratories
Classification: Uncertain significance. Last evaluated: 2023-11-09. Review status: criteria provided, single submitter. Criteria: ARUP Molecular Germline Variant Investigation Process 2024. Collection method: clinical testing. Allele origin: germline.
Comment: The TTN c.15121A>G; p.Ile5041Val variant (rs760814989) is rare in the general population (<0.2% allele frequency in the Genome Aggregation Database) and has not been reported in the medical literature in association with dilated cardiomyopathy (DCM) or other TTN-related disease. The clinical relevance of rare missense variants in this gene, which are identified on average once per individual sequenced in affected populations (Herman 2012), is not well understood. Yet, evidence suggests that the vast majority of such missense variants do not contribute to the clinical outcome of DCM (Begay 2015). Thus, the clinical significance of the p.Ile5041Val variant cannot be determined with certainty. References: Begay RL et al. Role of Titin Missense Variants in Dilated Cardiomyopathy. J Am Heart Assoc. 2015 Nov 13;4(11). PMID: 26567375. Herman DS et al. Truncations of titin causing dilated cardiomyopathy. N Engl J Med. 2012 Feb 16;366(7):619-28. PMID: 22335739. Linke WA and Hamdani N. Gigantic business: titin properties and function through thick and thin. Circ Res 2014; 114(6): 1052-1068. PMID: 24625729.